The following is an entry in ClinVar:

NM_198859.4(PRICKLE2):c.2030A>G (p.Asp677Gly)

Genes: PRICKLE2 (prickle planar cell polarity protein 2; minus strand), PRICKLE2-AS1 (PRICKLE2 antisense RNA 1; plus strand). Cytogenetic location: 3p14.1.
Variant type: single nucleotide variant.
Coding change: c.2030A>G on transcript NM_198859.4 (MANE Select); coding-DNA position 2030, A replaced by G.
Protein change: p.Asp677Gly; replaces aspartic acid 677 with glycine.
Molecular consequence: missense variant. On other transcripts: non-coding transcript variant (1).
Genome position (GRCh38, 1-based): chr3:64,099,556, T>C on the plus strand (A>G on the coding strand, the complement: PRICKLE2 is on the minus strand). VCF-style: chr3-64099556-T-C. GRCh37 (hg19) VCF-style: chr3-64085232-T-C.
Other names: c.2030A>G, p.Asp677Gly (NM_001370528.1); short protein forms D677G.
Identifiers: ClinVar variation 646705 (VCV000646705.8), dbSNP rs748599215, ClinGen allele CA2479504.

ClinVar aggregate classification (germline): Uncertain significance (1 of 4 stars; one submission).

Conditions:
Progressive myoclonic epilepsy type 5. Identifiers: Orphanet 402082, MedGen C5190799.

Allele frequency attached by ClinVar (database versions not stated): gnomAD 0.00001; gnomAD exomes 0.00001; TOPMed 0.00001; ExAC 0.00002.
gnomAD v4.1: 5 of 1,610,762 alleles (0.00031%); highest among the groups gnomAD compares: African/African-American, 0.0067%; no homozygotes.

Submission:

Labcorp Genetics (formerly Invitae), Labcorp
Classification: Uncertain significance for Progressive myoclonic epilepsy type 5. Last evaluated: 2023-10-16. Review status: criteria provided, single submitter. Criteria: Invitae Variant Classification Sherloc (09022015). Collection method: clinical testing. Allele origin: germline.
Comment: This sequence change replaces aspartic acid, which is acidic and polar, with glycine, which is neutral and non-polar, at codon 677 of the PRICKLE2 protein (p.Asp677Gly). This variant is present in population databases (rs748599215, gnomAD 0.02%). This variant has not been reported in the literature in individuals affected with PRICKLE2-related conditions. ClinVar contains an entry for this variant (Variation ID: 646705). Advanced modeling of protein sequence and biophysical properties (such as structural, functional, and spatial information, amino acid conservation, physicochemical variation, residue mobility, and thermodynamic stability) performed at Invitae indicates that this missense variant is not expected to disrupt PRICKLE2 protein function. In summary, the available evidence is currently insufficient to determine the role of this variant in disease. Therefore, it has been classified as a Variant of Uncertain Significance.